The following is an entry in ClinVar:

NM_207346.3(TSEN54):c.1000del (p.Ala334fs)

Gene: TSEN54 (tRNA splicing endonuclease subunit 54; plus strand). Cytogenetic location: 17q25.1.
Variant type: Deletion.
Coding change: c.1000del on transcript NM_207346.3 (MANE Select); coding-DNA position 1000, one base deleted (G; older notation c.1000delG).
Protein change: p.Ala334fs; shifts the reading frame from alanine 334.
Molecular consequence: frameshift variant.
Genome position (GRCh38, 1-based): chr17:75,522,081, G deleted. VCF-style (leftmost placement, unchanged base first): chr17-75522080-CG-C. GRCh37 (hg19) VCF-style: chr17-73518161-CG-C.
Other names: short protein forms A334fs.
Identifiers: ClinVar variation 3698958 (VCV003698958.2).
Genomic context (GRCh38, chr17:75,522,080, plus strand): 5'-CCTTCTGCGCGCCCCAGCCCCAGAGCTGCTCCCGGCCAACGTGGCTGGGCGGGAGACAGA[CG>C]CTGAGTCCTGGTGCCAGAAGCTGAACCAGCGCAAGGAGAAGCTCTCCAGGCGGGAACGGG-3'

ClinVar aggregate classification (germline): Pathogenic (1 of 4 stars; one submission).

Submission:

Labcorp Genetics (formerly Invitae), Labcorp
Classification: Pathogenic. Last evaluated: 2024-02-17. Review status: criteria provided, single submitter. Criteria: Invitae Variant Classification Sherloc (09022015). Collection method: clinical testing. Allele origin: germline.
Comment: This sequence change creates a premature translational stop signal (p.Ala334Leufs*8) in the TSEN54 gene. It is expected to result in an absent or disrupted protein product. Loss-of-function variants in TSEN54 are known to be pathogenic (PMID: 18711368, 20952379). This variant is present in population databases (rs754969391, gnomAD 0.02%). This variant has not been reported in the literature in individuals affected with TSEN54-related conditions. For these reasons, this variant has been classified as Pathogenic.

Literature cited by the submitters: PubMed 18711368; PubMed 20952379.